The following is an entry in ClinVar:

NM_006734.4(HIVEP2):c.6451T>C (p.Tyr2151His)

Gene: HIVEP2 (HIVEP zinc finger 2; minus strand). Cytogenetic location: 6q24.2.
Variant type: single nucleotide variant.
Coding change: c.6451T>C on transcript NM_006734.4 (MANE Select); coding-DNA position 6451, T replaced by C.
Protein change: p.Tyr2151His; replaces tyrosine 2151 with histidine.
Molecular consequence: missense variant.
Genome position (GRCh38, 1-based): chr6:142,759,837, A>G on the plus strand (T>C on the coding strand, the complement: HIVEP2 is on the minus strand). VCF-style: chr6-142759837-A-G. GRCh37 (hg19) VCF-style: chr6-143080974-A-G.
Other names: short protein forms Y2151H.
Identifiers: ClinVar variation 3690366 (VCV003690366.2).

ClinVar aggregate classification (germline): Uncertain significance (1 of 4 stars; one submission).

Submission:

Labcorp Genetics (formerly Invitae), Labcorp
Classification: Uncertain significance. Last evaluated: 2024-08-14. Review status: criteria provided, single submitter. Criteria: Invitae Variant Classification Sherloc (09022015). Collection method: clinical testing. Allele origin: germline.
Comment: This sequence change replaces tyrosine, which is neutral and polar, with histidine, which is basic and polar, at codon 2151 of the HIVEP2 protein (p.Tyr2151His). This variant is not present in population databases (gnomAD no frequency). This variant has not been reported in the literature in individuals affected with HIVEP2-related conditions. An algorithm developed to predict the effect of missense changes on protein structure and function (PolyPhen-2) suggests that this variant is likely to be tolerated. In summary, the available evidence is currently insufficient to determine the role of this variant in disease. Therefore, it has been classified as a Variant of Uncertain Significance.